The following is an entry in ClinVar:

ClinVar aggregate classification (germline): Uncertain significance. Review status: criteria provided, multiple submitters, no conflicts (2 of 4 stars). 2 submissions from 2 submitters: Uncertain significance (2). Last evaluated 2025-07-07.

Conditions:
Malignant hyperthermia, susceptibility to, 5 (MHS5). Also called: CACNA1S-Related Malignant Hyperthermia Susceptibility. Identifiers: Orphanet 423, MedGen C1866077, MONDO:0011163, OMIM 601887.
Hypokalemic periodic paralysis, type 1. Also called: Hypokalemic Periodic Paralysis Type 1 (AD); HypoPP. Identifiers: Orphanet 681, MedGen C3714580, MONDO:0042979, OMIM 170400.

Allele frequency attached by ClinVar (database versions not stated): gnomAD exomes below 0.00001.
gnomAD v4.1: 1 of 1,613,856 alleles (0.000062%); highest among the groups gnomAD compares: Non-Finnish European, 0.000085%; no homozygotes.

Submissions (2):

Color Diagnostics, LLC DBA Color Health
Classification: Uncertain significance for Malignant hyperthermia, susceptibility to, 5. Last evaluated: 2025-07-07. Review status: criteria provided, single submitter. Criteria: ACMG Guidelines, 2015. Collection method: clinical testing. Allele origin: germline.
Comment: This missense variant replaces cysteine with tyrosine at codon 1848 of the CACNA1S protein. Computational prediction suggests that this variant may not impact protein structure and function. To our knowledge, functional studies have not been reported for this variant. This variant has not been reported in individuals affected with CACNA1S-related disorders in the literature. This variant has not been identified in the general population by the Genome Aggregation Database (gnomAD). The available evidence is insufficient to determine the role of this variant in disease conclusively. Therefore, this variant is classified as a Variant of Uncertain Significance.

Labcorp Genetics (formerly Invitae), Labcorp
Classification: Uncertain significance for Hypokalemic periodic paralysis, type 1; Malignant hyperthermia, susceptibility to, 5. Last evaluated: 2022-11-28. Review status: criteria provided, single submitter. Criteria: Invitae Variant Classification Sherloc (09022015). Collection method: clinical testing. Allele origin: germline.
Comment: In summary, the available evidence is currently insufficient to determine the role of this variant in disease. Therefore, it has been classified as a Variant of Uncertain Significance. Advanced modeling of protein sequence and biophysical properties (such as structural, functional, and spatial information, amino acid conservation, physicochemical variation, residue mobility, and thermodynamic stability) performed at Invitae indicates that this missense variant is not expected to disrupt CACNA1S protein function. This variant has not been reported in the literature in individuals affected with CACNA1S-related conditions. This variant is not present in population databases (gnomAD no frequency). This sequence change replaces cysteine, which is neutral and slightly polar, with tyrosine, which is neutral and polar, at codon 1848 of the CACNA1S protein (p.Cys1848Tyr).

NM_000069.3(CACNA1S):c.5543G>A (p.Cys1848Tyr)

Gene: CACNA1S (calcium voltage-gated channel subunit alpha1 S; minus strand). Cytogenetic location: 1q32.1.
Variant type: single nucleotide variant.
Coding change: c.5543G>A on transcript NM_000069.3 (MANE Select); coding-DNA position 5543, G replaced by A.
Protein change: p.Cys1848Tyr; replaces cysteine 1848 with tyrosine.
Molecular consequence: missense variant.
Genome position (GRCh38, 1-based): chr1:201,039,910, C>T on the plus strand (G>A on the coding strand, the complement: CACNA1S is on the minus strand). VCF-style: chr1-201039910-C-T. GRCh37 (hg19) VCF-style: chr1-201009038-C-T.
Other names: short protein forms C1848Y.
Identifiers: ClinVar variation 2929322 (VCV002929322.4), dbSNP rs2464386109, ClinGen allele CA344128502.
Genomic context (GRCh38, chr1:201,039,910, plus strand): 5'-AGGGTCTCCTGGGAGCCCTGGTGTTGGTCGAGGCTGCCCAGGGAGGACCCGAGGTTCAGG[C>T]ATCCCAGGGAGCTGGCCATGCCCTCTGGGGCCTCTCGTCCTTTCAGTAGCTCTGTTGCCA-3'
Protein context (NP_000060.2, residues 1838-1858): APEGMASSLG[Cys1848Tyr]LNLGSSLGSL